The following is an entry in ClinVar:

NM_001367624.2(ZNF469):c.4001C>T (p.Pro1334Leu)

Gene: ZNF469 (zinc finger protein 469; plus strand). Cytogenetic location: 16q24.2.
Variant type: single nucleotide variant.
Coding change: c.4001C>T on transcript NM_001367624.2 (MANE Select); coding-DNA position 4001, C replaced by T.
Protein change: p.Pro1334Leu; replaces proline 1334 with leucine.
Molecular consequence: missense variant.
Genome position (GRCh38, 1-based): chr16:88,431,471, C>T. VCF-style: chr16-88431471-C-T. GRCh37 (hg19) VCF-style: chr16-88497879-C-T.
Other names: NM_001127464.1:c.3917C>T; short protein forms P1334L.
Identifiers: ClinVar variation 452229 (VCV000452229.3), dbSNP rs1016116935, ClinGen allele CA286375504.

ClinVar aggregate classification (germline): Conflicting classifications of pathogenicity. Review status: criteria provided, conflicting classifications (1 of 4 stars). 2 submissions from 2 submitters: Uncertain significance (1); Likely benign (1). Last evaluated 2023-10-03.

Conditions:
Cardiovascular phenotype. Identifiers: MedGen CN230736.

Allele frequency attached by ClinVar (database versions not stated): gnomAD exomes 0.00001; TOPMed 0.00003; gnomAD 0.00007 and 0.00009.
gnomAD v4.1: 14 of 1,550,292 alleles (0.0009%); highest among the groups gnomAD compares: African/African-American, 0.018%; no homozygotes.

Submissions (2):

Ambry Genetics
Classification: Likely benign for Cardiovascular phenotype. Last evaluated: 2023-10-03. Review status: criteria provided, single submitter. Criteria: Ambry Variant Classification Scheme 2023. Collection method: clinical testing. Allele origin: germline.

GeneDx
Classification: Uncertain significance. Last evaluated: 2017-09-21. Review status: criteria provided, single submitter. Criteria: GeneDx Variant Classification (06012015). Collection method: clinical testing. Allele origin: germline. Affected: yes.
Comment: A variant of uncertain significance has been identified in the ZNF469 gene. The P1306L variant has not been published as pathogenic or been reported as benign to our knowledge. This variant is observed in 5/8728 (0.06%) alleles from individuals of African ancestry in large population cohorts (Lek et al., 2016). The P1306L variant is a semi-conservative amino acid substitution, which may impact secondary protein structure as these residues differ in some properties. This substitution occurs at a position that is not conserved across species and where leucine (L) is present as the wild type in at least one species. Finally, in silico analysis predicts this variant likely does not alter the protein structure/function.